The following is an entry in ClinVar:

ClinVar aggregate classification (germline): Uncertain significance. Review status: criteria provided, multiple submitters, no conflicts (2 of 4 stars). 2 submissions from 2 submitters: Uncertain significance (2). Last evaluated 2023-06-23.

Conditions:
Hereditary cancer-predisposing syndrome. Also called: Tumor predisposition; Hereditary Cancer Syndrome; Neoplastic Syndromes, Hereditary; Hereditary neoplastic syndrome. Identifiers: Orphanet 140162, MedGen C0027672, MeSH D009386, MONDO:0015356.

Submissions (2):

Ambry Genetics
Classification: Uncertain significance for Hereditary cancer-predisposing syndrome. Last evaluated: 2023-06-23. Review status: criteria provided, single submitter. Criteria: Ambry Variant Classification Scheme 2023. Collection method: clinical testing. Allele origin: germline.
Comment: The p.S1201L variant (also known as c.3602C>T), located in coding exon 15 of the APC gene, results from a C to T substitution at nucleotide position 3602. The serine at codon 1201 is replaced by leucine, an amino acid with dissimilar properties. This amino acid position is conserved. In addition, in silico predictors for this gene do not accurately predict pathogenicity. Since supporting evidence is limited at this time, the clinical significance of this alteration remains unclear.

Color Diagnostics, LLC DBA Color Health
Classification: Uncertain significance for Hereditary cancer-predisposing syndrome. Last evaluated: 2021-06-14. Review status: criteria provided, single submitter. Criteria: ACMG Guidelines, 2015. Collection method: clinical testing. Allele origin: germline.
Comment: This missense variant replaces serine with leucine at codon 1201 of the APC protein. Computational prediction suggests that this variant may not impact protein structure and function (internally defined REVEL score threshold <= 0.5, PMID: 27666373). To our knowledge, functional studies have not been reported for this variant. This variant has not been reported in individuals affected with hereditary cancer in the literature. This variant has not been identified in the general population by the Genome Aggregation Database (gnomAD). The available evidence is insufficient to determine the role of this variant in disease conclusively. Therefore, this variant is classified as a Variant of Uncertain Significance.

NM_000038.6(APC):c.3602C>T (p.Ser1201Leu)

Gene: APC (APC regulator of Wnt signaling pathway; plus strand). Cytogenetic location: 5q22.2.
Variant type: single nucleotide variant.
Coding change: c.3602C>T on transcript NM_000038.6 (MANE Select); coding-DNA position 3602, C replaced by T.
Protein change: p.Ser1201Leu; replaces serine 1201 with leucine.
Molecular consequence: missense variant.
Genome position (GRCh38, 1-based): chr5:112,839,196, C>T. VCF-style: chr5-112839196-C-T. GRCh37 (hg19) VCF-style: chr5-112174893-C-T.
Other names: c.3602C>T, p.Ser1201Leu (NM_001127510.3, NM_001354895.2); c.3548C>T, p.Ser1183Leu (NM_001127511.3); c.3656C>T, p.Ser1219Leu (NM_001354896.2); c.3632C>T, p.Ser1211Leu (NM_001354897.2); c.3527C>T, p.Ser1176Leu (NM_001354898.2); c.3518C>T, p.Ser1173Leu (NM_001354899.2); c.3479C>T, p.Ser1160Leu (NM_001354900.2); c.3425C>T, p.Ser1142Leu (NM_001354901.2); and 5 more; short protein forms S1041L, S1075L, S1100L, S1110L, S1142L, S1160L, S1173L, S1176L.
Identifiers: ClinVar variation 1332274 (VCV001332274.4), dbSNP rs730881247, ClinGen allele CA16029247.
Genomic context (GRCh38, chr5:112,839,196, plus strand): 5'-TAAAATATGCCACAGATATTCCTTCATCACAGAAACAGTCATTTTCATTCTCAAAGAGTT[C>T]ATCTGGACAAAGCAGTAAAACCGAACATATGTCTTCAAGCAGTGAGAATACGTCCACACC-3'
Protein context (NP_000029.2, residues 1191-1211): QKQSFSFSKS[Ser1201Leu]SGQSSKTEHM